The following is an entry in ClinVar:

NM_001194998.2(CEP152):c.3750_3754del (p.Ile1251fs)

Gene: CEP152 (centrosomal protein 152; minus strand). Cytogenetic location: 15q21.1.
Variant type: Deletion.
Coding change: c.3750_3754del on transcript NM_001194998.2 (MANE Select); coding-DNA positions 3750 to 3754, 5 bases deleted (CATTG; older notation c.3750_3754delCATTG).
Protein change: p.Ile1251fs; shifts the reading frame from isoleucine 1251.
Molecular consequence: frameshift variant.
Genome position (GRCh38, 1-based): chr15:48,744,321-48,744,325, CAATG deleted on the plus strand (CATTG on the coding strand, the reverse complement: CEP152 is on the minus strand). VCF-style (leftmost placement, unchanged base first): chr15-48744320-TCAATG-T. GRCh37 (hg19) VCF-style: chr15-49036517-TCAATG-T.
Other names: c.3582_3586del, p.Ile1195fs (NM_014985.4); short protein forms I1195fs, I1251fs.
Identifiers: ClinVar variation 2708984 (VCV002708984.3), dbSNP rs1893250368, ClinGen allele CA969560904.

ClinVar aggregate classification (germline): Pathogenic (1 of 4 stars; one submission).

Allele frequency attached by ClinVar (database versions not stated): gnomAD 0.00001.

Submission:

Labcorp Genetics (formerly Invitae), Labcorp
Classification: Pathogenic. Last evaluated: 2024-01-11. Review status: criteria provided, single submitter. Criteria: Invitae Variant Classification Sherloc (09022015). Collection method: clinical testing. Allele origin: germline.
Comment: This sequence change creates a premature translational stop signal (p.Ile1195Lysfs*20) in the CEP152 gene. It is expected to result in an absent or disrupted protein product. Loss-of-function variants in CEP152 are known to be pathogenic (PMID: 21131973). This variant is not present in population databases (gnomAD no frequency). This variant has not been reported in the literature in individuals affected with CEP152-related conditions. For these reasons, this variant has been classified as Pathogenic.

Literature cited by the submitters: PubMed 21131973.